The following is an entry in ClinVar:

NM_000505.4(F12):c.345C>T (p.Ser115=)

Gene: F12 (coagulation factor XII; minus strand). Cytogenetic location: 5q35.3.
Variant type: single nucleotide variant.
Coding change: c.345C>T on transcript NM_000505.4 (MANE Select); coding-DNA position 345, C replaced by T.
Protein change: p.Ser115=; no amino-acid change (serine 115 retained).
Molecular consequence: synonymous variant.
Genome position (GRCh38, 1-based): chr5:177,405,375, G>A on the plus strand (C>T on the coding strand, the complement: F12 is on the minus strand). VCF-style: chr5-177405375-G-A. GRCh37 (hg19) VCF-style: chr5-176832376-G-A.
Identifiers: ClinVar variation 3043040 (VCV003043040.2), dbSNP rs769220140, ClinGen allele CA3581520.

ClinVar aggregate classification (germline): Likely benign (0 of 4 stars; one submission).

Conditions:
F12-related disorder. Also called: F12-related disorders; F12-related condition. Identifiers: MedGen CN239389.

Allele frequency attached by ClinVar (database versions not stated): ExAC 0.00001; gnomAD 0.00001; TOPMed 0.00002.

Submission:

PreventionGenetics, part of Exact Sciences
Classification: Likely benign for F12-related condition. Last evaluated: 2019-06-20. Review status: no assertion criteria provided. Collection method: clinical testing. Allele origin: germline.
Comment: This variant is classified as likely benign based on ACMG/AMP sequence variant interpretation guidelines (Richards et al. 2015 PMID: 25741868, with internal and published modifications).